The following is an entry in ClinVar:

ClinVar aggregate classification (germline): Pathogenic. Review status: criteria provided, multiple submitters, no conflicts (2 of 4 stars). 2 submissions from 2 submitters: Pathogenic (2). Last evaluated 2025-03-12.

Conditions:
Combined malonic and methylmalonic acidemia. Identifiers: Orphanet 289504, MedGen C3280314, MONDO:0013661, OMIM 614265.

Allele frequency attached by ClinVar (database versions not stated): TOPMed below 0.00001.
gnomAD v4.1: 1 of 1,607,370 alleles (0.000062%); highest among the groups gnomAD compares: Non-Finnish European, 0.000085%; no homozygotes.

Submissions (2):

Women's Health and Genetics/Laboratory Corporation of America, LabCorp
Classification: Pathogenic for Combined malonic and methylmalonic acidemia. Last evaluated: 2025-03-12. Review status: criteria provided, single submitter. Criteria: LabCorp Variant Classification Summary - May 2015. Collection method: clinical testing. Allele origin: germline.
Comment: Variant summary: ACSF3 c.1573G>T (p.Gly525X) results in a premature termination codon, predicted to cause a truncation of the encoded protein, and at-least one downtream missense variant (c.1672C>T p.Arg558Trp) has been associated with disease. The variant was absent in 251348 control chromosomes. To our knowledge, no occurrence of c.1573G>T in individuals affected with Combined Malonic And Methylmalonic Aciduria and no experimental evidence demonstrating its impact on protein function have been reported. ClinVar contains an entry for this variant (Variation ID: 852537). Based on the evidence outlined above, the variant was classified as pathogenic.

Labcorp Genetics (formerly Invitae), Labcorp
Classification: Pathogenic for Combined malonic and methylmalonic acidemia. Last evaluated: 2023-07-14. Review status: criteria provided, single submitter. Criteria: Invitae Variant Classification Sherloc (09022015). Collection method: clinical testing. Allele origin: germline.
Comment: This sequence change creates a premature translational stop signal (p.Gly525*) in the ACSF3 gene. While this is not anticipated to result in nonsense mediated decay, it is expected to disrupt the last 52 amino acid(s) of the ACSF3 protein. ClinVar contains an entry for this variant (Variation ID: 852537). This premature translational stop signal has been observed in individual(s) with clinical features of ACSF3-related conditions (Invitae). This variant is present in population databases (no rsID available, gnomAD 0.007%). This variant disrupts a region of the ACSF3 protein in which other variant(s) (p.Arg558Trp) have been determined to be pathogenic (PMID: 21841779, 26827111; Invitae). This suggests that this is a clinically significant region of the protein, and that variants that disrupt it are likely to be disease-causing. For these reasons, this variant has been classified as Pathogenic.

Literature cited by the submitters: PubMed 21841779 (cited by Labcorp Genetics (formerly Invitae), Labcorp); PubMed 26827111 (cited by Labcorp Genetics (formerly Invitae), Labcorp).

NM_001243279.3(ACSF3):c.1573G>T (p.Gly525Ter)

Gene: ACSF3 (acyl-CoA synthetase family member 3; plus strand). Cytogenetic location: 16q24.3.
Variant type: single nucleotide variant.
Coding change: c.1573G>T on transcript NM_001243279.3 (MANE Select); coding-DNA position 1573, G replaced by T.
Protein change: p.Gly525Ter; replaces glycine 525 with a stop codon.
Molecular consequence: nonsense. On other transcripts: non-coding transcript variant (4).
Genome position (GRCh38, 1-based): chr16:89,146,009, G>T. VCF-style: chr16-89146009-G-T. GRCh37 (hg19) VCF-style: chr16-89212417-G-T.
Other names: c.1573G>T, p.Gly525Ter (NM_001127214.4, NM_174917.5); c.778G>T, p.Gly260Ter (NM_001284316.2); short protein forms G260*, G525*.
Identifiers: ClinVar variation 852537 (VCV000852537.9), dbSNP rs767958353, ClinGen allele CA397149077.